The following is an entry in ClinVar:

NM_001001548.3(CD36):c.265G>T (p.Gly89Cys)

Gene: CD36 (CD36 molecule (CD36 blood group); plus strand). Cytogenetic location: 7q21.11.
Variant type: single nucleotide variant.
Coding change: c.265G>T on transcript NM_001001548.3 (MANE Select); coding-DNA position 265, G replaced by T.
Protein change: p.Gly89Cys; replaces glycine 89 with cysteine.
Molecular consequence: missense variant. On other transcripts: 5 prime UTR variant (1), non-coding transcript variant (1), intron variant (1).
Genome position (GRCh38, 1-based): chr7:80,656,684, G>T. VCF-style: chr7-80656684-G-T. GRCh37 (hg19) VCF-style: chr7-80286000-G-T.
Other names: c.265G>T, p.Gly89Cys (NM_000072.3, NM_001001547.3, NM_001127443.2 and 7 more transcripts); c.37G>T, p.Gly13Cys (NM_001289911.2); c.163G>T, p.Gly55Cys (NM_001371079.1); c.-218G>T (NM_001371081.1); c.-184-4379G>T (NM_001371080.1); short protein forms G89C, G13C, G55C.
Identifiers: ClinVar variation 360752 (VCV000360752.8), dbSNP rs374729345, ClinGen allele CA4315070.

ClinVar aggregate classification (germline): Uncertain significance. Review status: criteria provided, multiple submitters, no conflicts (2 of 4 stars). 3 submissions from 3 submitters: Uncertain significance (3). Last evaluated 2025-08-30.

Conditions:
Platelet-type bleeding disorder 10. Also called: CD36 DEFICIENCY. Identifiers: MedGen C1842090, MONDO:0012031, OMIM 608404.

Allele frequency attached by ClinVar (database versions not stated): TOPMed 0.00002; ExAC 0.00005.
gnomAD v4.1: 73 of 1,613,468 alleles (0.0045%); highest among the groups gnomAD compares: Non-Finnish European, 0.0051%; no homozygotes.

Submissions (3):

Ambry Genetics
Classification: Uncertain significance. Last evaluated: 2025-08-30. Review status: criteria provided, single submitter. Criteria: Ambry Variant Classification Scheme 2023. Collection method: clinical testing. Allele origin: germline.

Women's Health and Genetics/Laboratory Corporation of America, LabCorp
Classification: Uncertain significance. Last evaluated: 2024-03-12. Review status: criteria provided, single submitter. Criteria: LabCorp Variant Classification Summary - May 2015. Collection method: clinical testing. Allele origin: germline.
Comment: Variant summary: CD36 c.265G>T (p.Gly89Cys) results in a non-conservative amino acid change in the encoded protein sequence. Five of five in-silico tools predict a damaging effect of the variant on protein function. The variant allele was found at a frequency of 4e-05 in 250762 control chromosomes. This frequency does not allow any conclusions about variant significance. To our knowledge, no occurrence of c.265G>T in individuals affected with CD36-Related Disorders and no experimental evidence demonstrating its impact on protein function have been reported. ClinVar contains an entry for this variant (Variation ID: 360752). Based on the evidence outlined above, the variant was classified as uncertain significance.

Illumina Laboratory Services, Illumina
Classification: Uncertain significance for Platelet-type bleeding disorder 10. Last evaluated: 2018-01-12. Review status: criteria provided, single submitter. Criteria: ICSL Variant Classification Criteria 13 December 2019. Collection method: clinical testing. Allele origin: germline.